The following is an entry in ClinVar:

NM_145290.4(ADGRA3):c.1517G>A (p.Arg506Lys)

Gene: ADGRA3 (adhesion G protein-coupled receptor A3; minus strand). Cytogenetic location: 4p15.2.
Variant type: single nucleotide variant.
Coding change: c.1517G>A on transcript NM_145290.4 (MANE Select); coding-DNA position 1517, G replaced by A.
Protein change: p.Arg506Lys; replaces arginine 506 with lysine.
Molecular consequence: missense variant.
Genome position (GRCh38, 1-based): chr4:22,424,279, C>T on the plus strand (G>A on the coding strand, the complement: ADGRA3 is on the minus strand). VCF-style: chr4-22424279-C-T. GRCh37 (hg19) VCF-style: chr4-22425902-C-T.
Other names: short protein forms R506K.
Identifiers: ClinVar variation 1470733 (VCV001470733.8), dbSNP rs2109041468, ClinGen allele CA356481493.
Genomic context (GRCh38, chr4:22,424,279, plus strand): 5'-AGCCGGTAGGTAGCAATGCGCTGAAGACACTGCACAATCCTACTGCAGGCTTTAGCTTCC[C>T]TCTGCGCCAGCCACAGGACACGTTCATCAGCCAACATGATGTTACTTGCAATGTCAACCA-3'
Protein context (NP_660333.2, residues 496-516): ADERVLWLAQ[Arg506Lys]EAKACSRIVQ

ClinVar aggregate classification (germline): Uncertain significance (1 of 4 stars; one submission).

Submission:

Labcorp Genetics (formerly Invitae), Labcorp
Classification: Uncertain significance. Last evaluated: 2021-04-25. Review status: criteria provided, single submitter. Criteria: Invitae Variant Classification Sherloc (09022015). Collection method: clinical testing. Allele origin: germline.
Comment: In summary, the available evidence is currently insufficient to determine the role of this variant in disease. Therefore, it has been classified as a Variant of Uncertain Significance. Algorithms developed to predict the effect of missense changes on protein structure and function output the following: SIFT: "Tolerated"; PolyPhen-2: "Benign"; Align-GVGD: "Class C0". The lysine amino acid residue is found in multiple mammalian species, suggesting that this missense change does not adversely affect protein function. These predictions have not been confirmed by published functional studies and their clinical significance is uncertain. This variant has not been reported in the literature in individuals with ADGRA3-related conditions. This variant is not present in population databases (ExAC no frequency). This sequence change replaces arginine with lysine at codon 506 of the ADGRA3 protein (p.Arg506Lys). The arginine residue is moderately conserved and there is a small physicochemical difference between arginine and lysine.